The following is an entry in ClinVar:

NM_144687.4(NLRP12):c.276G>T (p.Glu92Asp)

Gene: NLRP12 (NLR family pyrin domain containing 12; minus strand). Cytogenetic location: 19q13.42.
Variant type: single nucleotide variant.
Coding change: c.276G>T on transcript NM_144687.4 (MANE Select); coding-DNA position 276, G replaced by T.
Protein change: p.Glu92Asp; replaces glutamic acid 92 with aspartic acid.
Molecular consequence: missense variant.
Genome position (GRCh38, 1-based): chr19:53,823,899, C>A on the plus strand (G>T on the coding strand, the complement: NLRP12 is on the minus strand). VCF-style: chr19-53823899-C-A. GRCh37 (hg19) VCF-style: chr19-54327153-C-A.
Other names: c.276G>T, p.Glu92Asp (NM_001277126.2, NM_001277129.1); short protein forms E92D.
Identifiers: ClinVar variation 1383562 (VCV001383562.8), dbSNP rs1477252514, ClinGen allele CA407418850.

ClinVar aggregate classification (germline): Uncertain significance (1 of 4 stars; one submission).

Conditions:
Familial cold autoinflammatory syndrome 2 (FCAS2). Identifiers: Orphanet 247868, MedGen C2673198, MONDO:0012724, OMIM 611762.

Allele frequency attached by ClinVar (database versions not stated): gnomAD 0.00001; TOPMed 0.00001.
gnomAD v4.1: 3 of 1,613,904 alleles (0.00019%); highest among the groups gnomAD compares: African/African-American, 0.004%; no homozygotes.

Submission:

Labcorp Genetics (formerly Invitae), Labcorp
Classification: Uncertain significance for Familial cold autoinflammatory syndrome 2. Last evaluated: 2022-02-24. Review status: criteria provided, single submitter. Criteria: Invitae Variant Classification Sherloc (09022015). Collection method: clinical testing. Allele origin: germline.
Comment: In summary, the available evidence is currently insufficient to determine the role of this variant in disease. Therefore, it has been classified as a Variant of Uncertain Significance. Algorithms developed to predict the effect of sequence changes on RNA splicing suggest that this variant may create or strengthen a splice site. Algorithms developed to predict the effect of missense changes on protein structure and function are either unavailable or do not agree on the potential impact of this missense change (SIFT: "Deleterious"; PolyPhen-2: "Possibly Damaging"; Align-GVGD: "Class C0"). This variant has not been reported in the literature in individuals affected with NLRP12-related conditions. This variant is not present in population databases (gnomAD no frequency). This sequence change replaces glutamic acid, which is acidic and polar, with aspartic acid, which is acidic and polar, at codon 92 of the NLRP12 protein (p.Glu92Asp).